The following is an entry in ClinVar:

NM_015335.5(MED13L):c.5768C>T (p.Thr1923Ile)

Gene: MED13L (mediator complex subunit 13L; minus strand). Cytogenetic location: 12q24.21.
Variant type: single nucleotide variant.
Coding change: c.5768C>T on transcript NM_015335.5 (MANE Select); coding-DNA position 5768, C replaced by T.
Protein change: p.Thr1923Ile; replaces threonine 1923 with isoleucine.
Molecular consequence: missense variant.
Genome position (GRCh38, 1-based): chr12:115,972,200, G>A on the plus strand (C>T on the coding strand, the complement: MED13L is on the minus strand). VCF-style: chr12-115972200-G-A. GRCh37 (hg19) VCF-style: chr12-116410005-G-A.
Other names: short protein forms T1923I.
Identifiers: ClinVar variation 700690 (VCV000700690.7), dbSNP rs149651647, ClinGen allele CA6810511.

ClinVar aggregate classification (germline): Benign/Likely benign. Review status: criteria provided, multiple submitters, no conflicts (2 of 4 stars). 3 submissions from 3 submitters: Benign (1); Likely benign (1). 1 of the submissions does not count toward it. Last evaluated 2025-06-22.

Conditions:
Dextro-looped transposition of the great arteries. Also called: Dextrotransposition of the great arteries. Identifiers: Orphanet 860, MedGen C3531771, MONDO:0019443, OMIM 608808, HP:0031348.
MED13L-related disorder. Also called: MED13L-related condition.

Allele frequency attached by ClinVar (database versions not stated): gnomAD 0.00008 and 0.00017; TOPMed 0.00009; gnomAD exomes 0.00014; ExAC 0.00021; 1000 Genomes Project 30x 0.00094; 1000 Genomes Project 0.00120.
gnomAD v4.1: 162 of 1,613,960 alleles (0.01%); highest among the groups gnomAD compares: East Asian, 0.35%; no homozygotes.

Submissions (3):

Labcorp Genetics (formerly Invitae), Labcorp
Classification: Likely benign for Dextro-looped transposition of the great arteries. Last evaluated: 2025-06-22. Review status: criteria provided, single submitter. Criteria: Invitae Variant Classification Sherloc (09022015). Collection method: clinical testing. Allele origin: germline.

GeneDx
Classification: Benign. Last evaluated: 2021-06-21. Review status: criteria provided, single submitter. Criteria: GeneDx Variant Classification Process June 2021. Collection method: clinical testing. Allele origin: germline. Affected: yes.
Comment: This variant is associated with the following publications: (PMID: 30564305)

PreventionGenetics, part of Exact Sciences
Classification: Likely benign for MED13L-related condition. Last evaluated: 2024-05-15. Review status: no assertion criteria provided. Collection method: clinical testing. Allele origin: germline. Not counted in ClinVar's aggregate classification.
Comment: This variant is classified as likely benign based on ACMG/AMP sequence variant interpretation guidelines (Richards et al. 2015 PMID: 25741868, with internal and published modifications).